The following is an entry in ClinVar:

NM_033380.3(COL4A5):c.2958_2975del (p.Asp989_Gly994del)

Gene: COL4A5 (collagen type IV alpha 5 chain; plus strand). Cytogenetic location: Xq22.3.
Variant type: Deletion.
Coding change: c.2958_2975del on transcript NM_033380.3 (MANE Select); coding-DNA positions 2958 to 2975, 18 bases deleted (GCCTGGAGACCCAGGGCA).
Protein change: p.Asp989_Gly994del.
Molecular consequence: inframe deletion.
Genome position (GRCh38, 1-based): chrX:108,624,276-108,624,293, GCCTGGAGACCCAGGGCA deleted. VCF-style (leftmost placement, unchanged base first): chrX-108624275-TGCCTGGAGACCCAGGGCA-T. GRCh37 (hg19) VCF-style: chrX-107867505-TGCCTGGAGACCCAGGGCA-T.
Other names: c.2958_2975del (NM_033380.1); c.2958_2975del, p.Asp989_Gly994del (NM_000495.5); c.2958_2975delGCCTGGAGACCCAGGGCA (NM_000495.3).
Identifiers: ClinVar variation 520604 (VCV000520604.13), dbSNP rs1556421106, ClinGen allele CA658799838.

ClinVar aggregate classification (germline): Pathogenic/Likely pathogenic. Review status: criteria provided, multiple submitters, no conflicts (2 of 4 stars). 3 submissions from 3 submitters: Pathogenic (2); Likely pathogenic (1). Last evaluated 2024-11-22.

Conditions:
Inborn genetic diseases. Identifiers: MedGen C0950123, MeSH D030342.

Submissions (3):

GeneDx
Classification: Likely pathogenic. Last evaluated: 2024-11-22. Review status: criteria provided, single submitter. Criteria: GeneDx Variant Classification Process June 2021. Collection method: clinical testing. Allele origin: germline.
Comment: In-frame deletion of six amino acids within the triple helical domain expected to disrupt normal protein folding and function; Not observed at significant frequency in large population cohorts (gnomAD); In silico analysis supports a deleterious effect on protein structure/function; Has not been previously published as pathogenic or benign in association with Alport syndrome to our knowledge; This variant is associated with the following publications: (PMID: 28330790)

Labcorp Genetics (formerly Invitae), Labcorp
Classification: Pathogenic. Last evaluated: 2021-07-04. Review status: criteria provided, single submitter. Criteria: Invitae Variant Classification Sherloc (09022015). Collection method: clinical testing. Allele origin: germline.
Comment: This variant, c.2958_2975del, results in the deletion of 6 amino acid(s) of the COL4A5 protein (p.Asp989_Gly994del), but otherwise preserves the integrity of the reading frame. This variant is not present in population databases (ExAC no frequency). This variant has been observed in individuals with clinical features of Alport syndrome (PMID: 10094548; Invitae). This variant is also known as 3161-3178del (del987-992). ClinVar contains an entry for this variant (Variation ID: 520604). This variant disrupts the triple helix domain of COL4A5. Glycine residues within the Gly-Xaa-Yaa repeats of the triple helix domain are required for the structure and stability of fibrillar collagens (PMID: 7695699, 8218237, 19344236). In COL4A5, missense variants at these glycine residues are significantly enriched in individuals with disease (PMID: 23720012, 27627812) compared to the general population (ExAC). For these reasons, this variant has been classified as Pathogenic.

Ambry Genetics
Classification: Pathogenic for Inborn genetic diseases. Last evaluated: 2014-12-26. Review status: criteria provided, single submitter. Criteria: Ambry exome assertion method (8-5-2015). Collection method: clinical testing. Allele origin: germline. Affected: yes. Observed: 1 variant allele.

Literature cited by the submitters: PubMed 10094548 (cited by Labcorp Genetics (formerly Invitae), Labcorp); PubMed 7695699 (cited by Labcorp Genetics (formerly Invitae), Labcorp); PubMed 8218237 (cited by Labcorp Genetics (formerly Invitae), Labcorp); PubMed 19344236 (cited by Labcorp Genetics (formerly Invitae), Labcorp); PubMed 23720012 (cited by Labcorp Genetics (formerly Invitae), Labcorp); PubMed 27627812 (cited by Labcorp Genetics (formerly Invitae), Labcorp).